The following is an entry in ClinVar:

NM_000969.5(RPL5):c.222dup (p.Val75fs)

Genes: DIPK1A (divergent protein kinase domain 1A; minus strand), RPL5 (ribosomal protein L5; plus strand). Cytogenetic location: 1p22.1.
Variant type: Duplication.
Coding change: c.222dup on transcript NM_000969.5 (MANE Select); coding-DNA position 222, one base duplicated (A; older notation c.222dupA).
Protein change: p.Val75fs; shifts the reading frame from valine 75.
Molecular consequence: frameshift variant. On other transcripts: non-coding transcript variant (1), intron variant (1).
Genome position (GRCh38, 1-based): chr1:92,834,811, A duplicated. VCF-style (leftmost placement, unchanged base first): chr1-92834810-T-TA. GRCh37 (hg19) VCF-style: chr1-93300367-T-TA.
Other names: c.475-1777dup (NM_001252273.2); short protein forms V75fs.
Identifiers: ClinVar variation 1788080 (VCV001788080.2), dbSNP rs2524452384, ClinGen allele CA2580063320.

ClinVar aggregate classification (germline): Pathogenic (1 of 4 stars; one submission).

Conditions:
Diamond-Blackfan anemia. Also called: Aase syndrome; Blackfan Diamond syndrome; Aregenerative anemia chronic congenital; Red cell aplasia, pure hereditary; Congenital hypoplastic anemia. Identifiers: Orphanet 124, MedGen C1260899, MeSH D029503, MONDO:0015253, HP:0004810.

Submission:

Ambry Genetics
Classification: Pathogenic for Diamond-Blackfan anemia. Last evaluated: 2017-01-19. Review status: criteria provided, single submitter. Criteria: Ambry Variant Classification Scheme 2023. Collection method: clinical testing. Allele origin: germline.
Comment: The c.222dupA pathogenic mutation, located in coding exon 4 of the RPL5 gene, results from a duplication of A at nucleotide position 222, causing a translational frameshift with a predicted alternate stop codon (p.V75Sfs*38). This alteration is expected to result in loss of function by premature protein truncation or nonsense-mediated mRNA decay. As such, this alteration is interpreted as a disease-causing mutation.